The following is an entry in ClinVar:

NM_001184.4(ATR):c.2938A>G (p.Asn980Asp)

Gene: ATR (ATR checkpoint kinase; minus strand). Cytogenetic location: 3q23.
Variant type: single nucleotide variant.
Coding change: c.2938A>G on transcript NM_001184.4 (MANE Select); coding-DNA position 2938, A replaced by G.
Protein change: p.Asn980Asp; replaces asparagine 980 with aspartic acid.
Molecular consequence: missense variant.
Genome position (GRCh38, 1-based): chr3:142,550,170, T>C on the plus strand (A>G on the coding strand, the complement: ATR is on the minus strand). VCF-style: chr3-142550170-T-C. GRCh37 (hg19) VCF-style: chr3-142269012-T-C.
Other names: c.2746A>G, p.Asn916Asp (NM_001354579.2); short protein forms N916D, N980D.
Identifiers: ClinVar variation 2567842 (VCV002567842.2), dbSNP rs1365401850, ClinGen allele CA354812701.

ClinVar aggregate classification (germline): Uncertain significance (1 of 4 stars; one submission).

Conditions:
Inborn genetic diseases. Identifiers: MedGen C0950123, MeSH D030342.

Submission:

Ambry Genetics
Classification: Uncertain significance for Inborn genetic diseases. Last evaluated: 2023-06-01. Review status: criteria provided, single submitter. Criteria: Ambry Variant Classification Scheme 2023. Collection method: clinical testing. Allele origin: germline.
Comment: The p.N980D variant (also known as c.2938A>G), located in coding exon 14 of the ATR gene, results from an A to G substitution at nucleotide position 2938. The asparagine at codon 980 is replaced by aspartic acid, an amino acid with highly similar properties. This amino acid position is conserved. In addition, this alteration is predicted to be tolerated by in silico analysis. Since supporting evidence is limited at this time, the clinical significance of this alteration remains unclear.